The following is an entry in ClinVar:

ClinVar aggregate classification (germline): Conflicting classifications of pathogenicity. Review status: criteria provided, conflicting classifications (1 of 4 stars). 4 submissions from 4 submitters: Uncertain significance (1); Likely benign (2). 1 of the submissions does not count toward it. Last evaluated 2024-11-15.

Conditions:
IL12B-related disorder. Also called: IL12B-related condition.
Mendelian susceptibility to mycobacterial diseases due to complete IL12B deficiency. Also called: Immunodeficiency 29; IL12B DEFICIENCY. Identifiers: Orphanet 319558, MedGen C4013948, MONDO:0013954, OMIM 614890.

Allele frequency attached by ClinVar (database versions not stated): gnomAD 0.00001; ExAC 0.00002; gnomAD exomes 0.00002; TOPMed 0.00002.
gnomAD v4.1: 18 of 1,614,016 alleles (0.0011%); highest among the groups gnomAD compares: Middle Eastern, 0.016%; no homozygotes.

Submissions (4):

Labcorp Genetics (formerly Invitae), Labcorp
Classification: Likely benign for Mendelian susceptibility to mycobacterial diseases due to complete IL12B deficiency. Last evaluated: 2024-11-15. Review status: criteria provided, single submitter. Criteria: Invitae Variant Classification Sherloc (09022015). Collection method: clinical testing. Allele origin: germline.

Blueprint Genetics
Classification: Likely benign. Last evaluated: 2024-08-12. Review status: criteria provided, single submitter. Criteria: ACMG Guidelines, 2015. Collection method: clinical testing. Allele origin: germline.

Illumina Laboratory Services, Illumina
Classification: Uncertain significance for Mendelian susceptibility to mycobacterial diseases due to complete IL12B deficiency. Last evaluated: 2017-04-27. Review status: criteria provided, single submitter. Criteria: ICSL Variant Classification Criteria 13 December 2019. Collection method: clinical testing. Allele origin: germline.

PreventionGenetics, part of Exact Sciences
Classification: Likely benign for IL12B-related condition. Last evaluated: 2019-08-06. Review status: no assertion criteria provided. Collection method: clinical testing. Allele origin: germline. Not counted in ClinVar's aggregate classification.
Comment: This variant is classified as likely benign based on ACMG/AMP sequence variant interpretation guidelines (Richards et al. 2015 PMID: 25741868, with internal and published modifications).

NM_002187.3(IL12B):c.822C>T (p.Cys274=)

Gene: IL12B (interleukin 12B; minus strand). Cytogenetic location: 5q33.3.
Variant type: single nucleotide variant.
Coding change: c.822C>T on transcript NM_002187.3 (MANE Select); coding-DNA position 822, C replaced by T.
Protein change: p.Cys274=; no amino-acid change (cysteine 274 retained).
Molecular consequence: synonymous variant.
Genome position (GRCh38, 1-based): chr5:159,318,769, G>A on the plus strand (C>T on the coding strand, the complement: IL12B is on the minus strand). VCF-style: chr5-159318769-G-A. GRCh37 (hg19) VCF-style: chr5-158745777-G-A.
Identifiers: ClinVar variation 904894 (VCV000904894.16), dbSNP rs764163895, ClinGen allele CA3538713.